The following is an entry in ClinVar:

ClinVar aggregate classification (germline): Uncertain significance (1 of 4 stars; one submission).

Conditions:
Glycogen storage disease type III (GSD3). Also called: Cori disease; FORBES DISEASE. Identifiers: Orphanet 366, MedGen C0017922, MONDO:0009291, OMIM 232400.

Allele frequency attached by ClinVar (database versions not stated): TOPMed 0.00001.

Submission:

Labcorp Genetics (formerly Invitae), Labcorp
Classification: Uncertain significance for Glycogen storage disease type III. Last evaluated: 2024-02-05. Review status: criteria provided, single submitter. Criteria: Invitae Variant Classification Sherloc (09022015). Collection method: clinical testing. Allele origin: germline.
Comment: This sequence change replaces leucine, which is neutral and non-polar, with valine, which is neutral and non-polar, at codon 22 of the AGL protein (p.Leu22Val). This variant is present in population databases (rs762204351, gnomAD 0.01%). This variant has not been reported in the literature in individuals affected with AGL-related conditions. ClinVar contains an entry for this variant (Variation ID: 1399786). An algorithm developed to predict the effect of missense changes on protein structure and function (PolyPhen-2) suggests that this variant¬†is likely to be tolerated. In summary, the available evidence is currently insufficient to determine the role of this variant in disease. Therefore, it has been classified as a Variant of Uncertain Significance.

NM_000642.3(AGL):c.64C>G (p.Leu22Val)

Gene: AGL (amylo-alpha-1,6-glucosidase and 4-alpha-glucanotransferase; plus strand). Cytogenetic location: 1p21.2.
Variant type: single nucleotide variant.
Coding change: c.64C>G on transcript NM_000642.3 (MANE Select); coding-DNA position 64, C replaced by G.
Protein change: p.Leu22Val; replaces leucine 22 with valine.
Molecular consequence: missense variant.
Genome position (GRCh38, 1-based): chr1:99,851,106, C>G. VCF-style: chr1-99851106-C-G. GRCh37 (hg19) VCF-style: chr1-100316662-C-G.
Other names: c.64C>G, p.Leu22Val (NM_000028.3, NM_000643.3, NM_000644.3 and 6 more transcripts); c.-128C>G (NM_000646.3); short protein forms L22V.
Identifiers: ClinVar variation 1399786 (VCV001399786.4), dbSNP rs762204351, ClinGen allele CA966003.